The following is an entry in ClinVar:

NM_001077653.2(TBX20):c.833A>T (p.Asp278Val)

Gene: TBX20 (T-box transcription factor 20; minus strand). Cytogenetic location: 7p14.2.
Variant type: single nucleotide variant.
Coding change: c.833A>T on transcript NM_001077653.2 (MANE Select); coding-DNA position 833, A replaced by T.
Protein change: p.Asp278Val; replaces aspartic acid 278 with valine.
Molecular consequence: missense variant.
Genome position (GRCh38, 1-based): chr7:35,231,561, T>A on the plus strand (A>T on the coding strand, the complement: TBX20 is on the minus strand). VCF-style: chr7-35231561-T-A. GRCh37 (hg19) VCF-style: chr7-35271173-T-A.
Other names: c.833A>T, p.Asp278Val (NM_001166220.1); short protein forms D278V.
Identifiers: ClinVar variation 1382077 (VCV001382077.8), dbSNP rs2128713464, ClinGen allele CA367263821.

ClinVar aggregate classification (germline): Uncertain significance (1 of 4 stars; one submission).

Submission:

Labcorp Genetics (formerly Invitae), Labcorp
Classification: Uncertain significance. Last evaluated: 2022-08-31. Review status: criteria provided, single submitter. Criteria: Invitae Variant Classification Sherloc (09022015). Collection method: clinical testing. Allele origin: germline.
Comment: In summary, the available evidence is currently insufficient to determine the role of this variant in disease. Therefore, it has been classified as a Variant of Uncertain Significance. Algorithms developed to predict the effect of missense changes on protein structure and function (SIFT, PolyPhen-2, Align-GVGD) all suggest that this variant is likely to be disruptive. ClinVar contains an entry for this variant (Variation ID: 1382077). This variant has not been reported in the literature in individuals affected with TBX20-related conditions. This variant is not present in population databases (gnomAD no frequency). This sequence change replaces aspartic acid, which is acidic and polar, with valine, which is neutral and non-polar, at codon 278 of the TBX20 protein (p.Asp278Val).